The following is an entry in ClinVar:

NM_001371533.1(FUT8):c.254T>A (p.Val85Asp)

Gene: FUT8 (fucosyltransferase 8; plus strand). Cytogenetic location: 14q23.3.
Variant type: single nucleotide variant.
Coding change: c.254T>A on transcript NM_001371533.1 (MANE Select); coding-DNA position 254, T replaced by A.
Protein change: p.Val85Asp; replaces valine 85 with aspartic acid.
Molecular consequence: missense variant. On other transcripts: 5 prime UTR variant (1), non-coding transcript variant (1).
Genome position (GRCh38, 1-based): chr14:65,616,028, T>A. VCF-style: chr14-65616028-T-A. GRCh37 (hg19) VCF-style: chr14-66082746-T-A.
Other names: c.254T>A, p.Val85Asp (NM_001371534.1, NM_001371536.1, NM_178155.3 and 1 more transcripts); c.-236T>A (NM_004480.4); short protein forms V85D.
Identifiers: ClinVar variation 1964491 (VCV001964491.3), dbSNP rs1383088644, ClinGen allele CA390120271.
Genomic context (GRCh38, chr14:65,616,028, plus strand): 5'-TAAACTACAGGATACCAGAAGGCCCTATTGATCAGGGGCCAGCTATAGGAAGAGTACGCG[T>A]TTTAGAAGAGCAGCTTGTTAAGGCCAAAGAACAGATTGAAAATTACAAGAAACAGACCAG-3'
Protein context (NP_001358462.1, residues 75-95): DQGPAIGRVR[Val85Asp]LEEQLVKAKE

ClinVar aggregate classification (germline): Uncertain significance (1 of 4 stars; one submission).

Submission:

Labcorp Genetics (formerly Invitae), Labcorp
Classification: Uncertain significance. Last evaluated: 2022-08-17. Review status: criteria provided, single submitter. Criteria: Invitae Variant Classification Sherloc (09022015). Collection method: clinical testing. Allele origin: germline.
Comment: In summary, the available evidence is currently insufficient to determine the role of this variant in disease. Therefore, it has been classified as a Variant of Uncertain Significance. Algorithms developed to predict the effect of missense changes on protein structure and function (SIFT, PolyPhen-2, Align-GVGD) all suggest that this variant is likely to be tolerated. This variant has not been reported in the literature in individuals affected with FUT8-related conditions. This variant is not present in population databases (gnomAD no frequency). This sequence change replaces valine, which is neutral and non-polar, with aspartic acid, which is acidic and polar, at codon 85 of the FUT8 protein (p.Val85Asp).